The following is an entry in ClinVar:

NM_152703.5(SAMD9L):c.1631dup (p.Leu544fs)

Gene: SAMD9L (sterile alpha motif domain containing 9 like; minus strand). Cytogenetic location: 7q21.2.
Variant type: Duplication.
Coding change: c.1631dup on transcript NM_152703.5 (MANE Select); coding-DNA position 1631, one base duplicated (T; older notation c.1631dupT).
Protein change: p.Leu544fs; shifts the reading frame from leucine 544.
Molecular consequence: frameshift variant.
Genome position (GRCh38, 1-based): chr7:93,134,341, A duplicated on the plus strand (T on the coding strand, the reverse complement: SAMD9L is on the minus strand); the first of 5 consecutive A bases (chr7:93,134,341-93,134,345); duplicating any one gives the same sequence. VCF-style (leftmost placement, unchanged base first): chr7-93134340-C-CA. GRCh37 (hg19) VCF-style: chr7-92763653-C-CA.
Other names: c.1631dup, p.Leu544fs (NM_001303496.3, NM_001303497.3, NM_001303498.3 and 5 more transcripts); short protein forms L544fs.
Identifiers: ClinVar variation 3360210 (VCV003360210.1).

ClinVar aggregate classification (germline): Uncertain significance (1 of 4 stars; one submission).

Submission:

GeneDx
Classification: Uncertain significance. Last evaluated: 2023-06-26. Review status: criteria provided, single submitter. Criteria: GeneDx Variant Classification Process June 2021. Collection method: clinical testing. Allele origin: germline. Affected: yes.
Comment: Not observed at significant frequency in large population cohorts (gnomAD); Frameshift variant predicted to result in protein truncation as the last 1041 amino acids are replaced with 18 different amino acids in a gene for which loss of function is not an established mechanism of disease; Has not been previously published as pathogenic or benign to our knowledge